The following is an entry in ClinVar:

ClinVar aggregate classification (germline): Likely benign. Review status: criteria provided, multiple submitters, no conflicts (2 of 4 stars). 3 submissions from 3 submitters: Likely benign (3). Last evaluated 2024-12-16.

Allele frequency attached by ClinVar (database versions not stated): ExAC 0.00002; gnomAD 0.00005; TOPMed 0.00006; gnomAD exomes 0.00007.
gnomAD v4.1: 111 of 1,610,660 alleles (0.0069%); highest among the groups gnomAD compares: African/African-American, 0.013%; no homozygotes.

Submissions (3):

Women's Health and Genetics/Laboratory Corporation of America, LabCorp
Classification: Likely benign. Last evaluated: 2024-12-16. Review status: criteria provided, single submitter. Criteria: LabCorp Variant Classification Summary - May 2015. Collection method: clinical testing. Allele origin: germline.
Comment: Variant summary: ABCC8 c.2820+19G>A alters a non-conserved nucleotide located at a position not widely known to affect splicing. Consensus agreement among computation tools predict no significant impact on normal splicing (TrAP). However, these predictions have yet to be confirmed by functional studies. The variant allele was found at a frequency of 3.6e-05 in 249808 control chromosomes. The available data on variant occurrences in the general population are insufficient to allow any conclusion about variant significance. c.2820+19G>A has been reported in the literature in individuals affected with Congenital Hyperinsulinism without strong evidence for causality (Snider_2013). These report(s) do not provide unequivocal conclusions about association of the variant with Congenital Hyperinsulinism. To our knowledge, no experimental evidence demonstrating an impact on protein function has been reported. ClinVar contains an entry for this variant (Variation ID: 2739770). Based on the evidence outlined above, the variant was classified as likely benign.

Blueprint Genetics
Classification: Likely benign. Last evaluated: 2024-11-13. Review status: criteria provided, single submitter. Criteria: ACMG Guidelines, 2015. Collection method: clinical testing. Allele origin: germline.

Labcorp Genetics (formerly Invitae), Labcorp
Classification: Likely benign. Last evaluated: 2024-01-07. Review status: criteria provided, single submitter. Criteria: Invitae Variant Classification Sherloc (09022015). Collection method: clinical testing. Allele origin: germline.

Literature cited by the submitters: PubMed 23275527 (cited by Women's Health and Genetics/Laboratory Corporation of America, LabCorp).

NM_000352.6(ABCC8):c.2820+19G>A

Gene: ABCC8 (ATP binding cassette subfamily C member 8; minus strand). Cytogenetic location: 11p15.1.
Variant type: single nucleotide variant.
Coding change: c.2820+19G>A on transcript NM_000352.6 (MANE Select); 19 bases into the intron after coding-DNA position 2820, G replaced by A.
Molecular consequence: intron variant.
Genome position (GRCh38, 1-based): chr11:17,408,373, C>T on the plus strand (G>A on the coding strand, the complement: ABCC8 is on the minus strand). VCF-style: chr11-17408373-C-T. GRCh37 (hg19) VCF-style: chr11-17429920-C-T.
Other names: c.2817+19G>A (NM_001351297.2); c.2820+19G>A (NM_001351296.2); c.2886+19G>A (NM_001351295.2); c.2823+19G>A (NM_001287174.3).
Identifiers: ClinVar variation 2739770 (VCV002739770.5), dbSNP rs773626748, ClinGen allele CA5903018.